The following is an entry in ClinVar:

ClinVar aggregate classification (germline): Uncertain significance (1 of 4 stars; one submission).

Conditions:
Epileptic encephalopathy. Identifiers: MedGen C0543888, HP:0200134.

Allele frequency attached by ClinVar (database versions not stated): gnomAD exomes 0.00001.
gnomAD v4.1: 11 of 1,611,654 alleles (0.00068%); highest among the groups gnomAD compares: African/African-American, 0.0013%; no homozygotes.

Submission:

Labcorp Genetics (formerly Invitae), Labcorp
Classification: Uncertain significance for Epileptic encephalopathy. Last evaluated: 2022-08-23. Review status: criteria provided, single submitter. Criteria: Invitae Variant Classification Sherloc (09022015). Collection method: clinical testing. Allele origin: germline.
Comment: This variant is not present in population databases (gnomAD no frequency). This sequence change replaces valine, which is neutral and non-polar, with alanine, which is neutral and non-polar, at codon 1389 of the FASN protein (p.Val1389Ala). This variant has not been reported in the literature in individuals affected with FASN-related conditions. In summary, the available evidence is currently insufficient to determine the role of this variant in disease. Therefore, it has been classified as a Variant of Uncertain Significance. Algorithms developed to predict the effect of missense changes on protein structure and function are either unavailable or do not agree on the potential impact of this missense change (SIFT: "Deleterious"; PolyPhen-2: "Possibly Damaging"; Align-GVGD: "Class C0").

NM_004104.5(FASN):c.4166T>C (p.Val1389Ala)

Gene: FASN (fatty acid synthase; minus strand). Cytogenetic location: 17q25.3.
Variant type: single nucleotide variant.
Coding change: c.4166T>C on transcript NM_004104.5 (MANE Select); coding-DNA position 4166, T replaced by C.
Protein change: p.Val1389Ala; replaces valine 1389 with alanine.
Molecular consequence: missense variant.
Genome position (GRCh38, 1-based): chr17:82,085,359, A>G on the plus strand (T>C on the coding strand, the complement: FASN is on the minus strand). VCF-style: chr17-82085359-A-G. GRCh37 (hg19) VCF-style: chr17-80043235-A-G.
Other names: short protein forms V1389A.
Identifiers: ClinVar variation 1923845 (VCV001923845.5), dbSNP rs772337797, ClinGen allele CA295129964.